The following is an entry in ClinVar:

NM_002299.4(LCT):c.3931C>T (p.Arg1311Ter)

Gene: LCT (lactase; minus strand). Cytogenetic location: 2q21.3.
Variant type: single nucleotide variant.
Coding change: c.3931C>T on transcript NM_002299.4 (MANE Select); coding-DNA position 3931, C replaced by T.
Protein change: p.Arg1311Ter; replaces arginine 1311 with a stop codon.
Molecular consequence: nonsense.
Genome position (GRCh38, 1-based): chr2:135,807,370, G>A on the plus strand (C>T on the coding strand, the complement: LCT is on the minus strand). VCF-style: chr2-135807370-G-A. GRCh37 (hg19) VCF-style: chr2-136564940-G-A.
Other names: short protein forms R1311*.
Identifiers: ClinVar variation 3018668 (VCV003018668.3), dbSNP rs1291540757, ClinGen allele CA348597869.

ClinVar aggregate classification (germline): Pathogenic (1 of 4 stars; one submission).

Allele frequency attached by ClinVar (database versions not stated): gnomAD exomes below 0.00001; TOPMed below 0.00001.
gnomAD v4.1: 2 of 1,614,068 alleles (0.00012%); highest among the groups gnomAD compares: East Asian, 0.0022%; no homozygotes.

Submission:

Labcorp Genetics (formerly Invitae), Labcorp
Classification: Pathogenic. Last evaluated: 2023-09-30. Review status: criteria provided, single submitter. Criteria: Invitae Variant Classification Sherloc (09022015). Collection method: clinical testing. Allele origin: germline.
Comment: This variant is present in population databases (no rsID available, gnomAD 0.01%). This sequence change creates a premature translational stop signal (p.Arg1311*) in the LCT gene. It is expected to result in an absent or disrupted protein product. Loss-of-function variants in LCT are known to be pathogenic (PMID: 16400612, 25881162). This variant has not been reported in the literature in individuals affected with LCT-related conditions. For these reasons, this variant has been classified as Pathogenic.

Literature cited by the submitters: PubMed 16400612; PubMed 25881162.